The following is an entry in ClinVar:

ClinVar aggregate classification (germline): Likely pathogenic (1 of 4 stars; one submission).

Conditions:
Poirier-Bienvenu neurodevelopmental syndrome (POBINDS). Identifiers: Orphanet 689397, MedGen C5231482, MONDO:0032889, OMIM 618732.

Submission:

Institute of Human Genetics, University of Leipzig Medical Center
Classification: Likely pathogenic for Poirier-Bienvenu neurodevelopmental syndrome. Last evaluated: 2023-06-05. Review status: criteria provided, single submitter. Criteria: ACMG Guidelines, 2015. Collection method: clinical testing. Allele origin: de novo. Inheritance: Autosomal dominant inheritance. Affected: yes.
Comment: Criteria applied: PVS1_STR,PS2_SUP,PM2_SUP

NM_001320.7(CSNK2B):c.554_555dup (p.Arg186fs)

Gene: CSNK2B (casein kinase 2 beta; plus strand). Cytogenetic location: 6p21.33.
Variant type: Duplication.
Coding change: c.554_555dup on transcript NM_001320.7 (MANE Select); coding-DNA positions 554 to 555, 2 bases duplicated (CC; older notation c.554_555dupCC).
Protein change: p.Arg186fs; shifts the reading frame from arginine 186.
Molecular consequence: frameshift variant.
Genome position (GRCh38, 1-based): chr6:31,669,505-31,669,506, CC duplicated; duplicating any 2 consecutive bases within chr6:31,669,504-31,669,506 gives the same sequence; the c. name uses the placement nearest the transcript's 3' end. VCF-style (leftmost placement, unchanged base first): chr6-31669503-G-GCC. GRCh37 (hg19) VCF-style: chr6-31637280-G-GCC.
Other names: c.545_546dup, p.Arg183fs (NM_001282385.2); short protein forms R183fs, R186fs.
Identifiers: ClinVar variation 976427 (VCV000976427.3), dbSNP rs1802030746, ClinGen allele CA1139659466.